The following is an entry in ClinVar:

NM_005591.4(MRE11):c.1163G>A (p.Arg388Gln)

Gene: MRE11 (MRE11 double strand break repair nuclease; minus strand). Cytogenetic location: 11q21.
Variant type: single nucleotide variant.
Coding change: c.1163G>A on transcript NM_005591.4 (MANE Select); coding-DNA position 1163, G replaced by A.
Protein change: p.Arg388Gln; replaces arginine 388 with glutamine.
Molecular consequence: missense variant.
Genome position (GRCh38, 1-based): chr11:94,464,175, C>T on the plus strand (G>A on the coding strand, the complement: MRE11 is on the minus strand). VCF-style: chr11-94464175-C-T. GRCh37 (hg19) VCF-style: chr11-94197341-C-T.
Other names: p.R388Q:CGG>CAG; c.1163G>A, p.Arg388Gln (NM_001330347.2, NM_005590.4); short protein forms R388Q.
Identifiers: ClinVar variation 127969 (VCV000127969.19), dbSNP rs587780134, ClinGen allele CA331827.

ClinVar aggregate classification (germline): Uncertain significance. Review status: criteria provided, multiple submitters, no conflicts (2 of 4 stars). 7 submissions from 7 submitters: Uncertain significance (7). Last evaluated 2025-08-30.

Conditions:
Ataxia-telangiectasia-like disorder (ATLD). Identifiers: MedGen C1858391, MONDO:0011457.
Hereditary cancer-predisposing syndrome. Also called: Hereditary neoplastic syndrome; Neoplastic Syndromes, Hereditary; Hereditary Cancer Syndrome; Tumor predisposition. Identifiers: Orphanet 140162, MedGen C0027672, MeSH D009386, MONDO:0015356.
Ataxia-telangiectasia-like disorder 1 (ATLD1). Identifiers: Orphanet 251347, MedGen C4012790, MONDO:0024557, OMIM 604391.

Allele frequency attached by ClinVar (database versions not stated): gnomAD exomes 0.00001 and 0.00002; TOPMed 0.00001; ExAC 0.00002.
gnomAD v4.1: 11 of 1,613,736 alleles (0.00068%); highest among the groups gnomAD compares: Admixed American, 0.015%; no homozygotes.

Submissions (7):

Ambry Genetics
Classification: Uncertain significance for Hereditary cancer-predisposing syndrome. Last evaluated: 2025-08-30. Review status: criteria provided, single submitter. Criteria: Ambry Variant Classification Scheme 2023. Collection method: clinical testing. Allele origin: germline.
Comment: The p.R388Q variant (also known as c.1163G>A), located in coding exon 10 of the MRE11A gene, results from a G to A substitution at nucleotide position 1163. The arginine at codon 388 is replaced by glutamine, an amino acid with highly similar properties. This amino acid position is well conserved in available vertebrate species. In addition, this alteration is predicted to be tolerated by in silico analysis. Since supporting evidence is limited at this time, the clinical significance of this alteration remains unclear.

Quest Diagnostics Nichols Institute San Juan Capistrano
Classification: Uncertain significance. Last evaluated: 2024-07-25. Review status: criteria provided, single submitter. Criteria: Quest Diagnostics criteria. Collection method: clinical testing. Allele origin: unknown.

Labcorp Genetics (formerly Invitae), Labcorp
Classification: Uncertain significance for Ataxia-telangiectasia-like disorder. Last evaluated: 2024-04-18. Review status: criteria provided, single submitter. Criteria: Invitae Variant Classification Sherloc (09022015). Collection method: clinical testing. Allele origin: germline.
Comment: This sequence change replaces arginine, which is basic and polar, with glutamine, which is neutral and polar, at codon 388 of the MRE11 protein (p.Arg388Gln). This variant is present in population databases (rs587780134, gnomAD 0.01%). This variant has not been reported in the literature in individuals affected with MRE11-related conditions. ClinVar contains an entry for this variant (Variation ID: 127969). An algorithm developed to predict the effect of missense changes on protein structure and function (PolyPhen-2) suggests that this variant¬†is likely to be tolerated. In summary, the available evidence is currently insufficient to determine the role of this variant in disease. Therefore, it has been classified as a Variant of Uncertain Significance.

Athena Diagnostics
Classification: Uncertain significance. Last evaluated: 2019-10-08. Review status: criteria provided, single submitter. Criteria: Athena Diagnostics Criteria. Collection method: clinical testing. Allele origin: unknown.

Baylor Genetics
Classification: Uncertain significance for Ataxia-telangiectasia-like disorder 1. Last evaluated: 2019-04-13. Review status: criteria provided, single submitter. Criteria: ACMG Guidelines, 2015. Collection method: clinical testing. Allele origin: unknown. Affected: yes. Study: CSER-TexasKidsCanSeq.
Comment: This variant was determined to be of uncertain significance according to ACMG Guidelines, 2015 [PMID:25741868].

Fulgent Genetics
Classification: Uncertain significance for Ataxia-telangiectasia-like disorder 1. Last evaluated: 2018-10-31. Review status: criteria provided, single submitter. Criteria: ACMG Guidelines, 2015. Collection method: clinical testing. Allele origin: unknown.

GeneDx
Classification: Uncertain significance. Last evaluated: 2014-01-13. Review status: criteria provided, single submitter. Criteria: GeneDx Variant Classification (06012015). Collection method: clinical testing. Allele origin: germline. Affected: yes.
Comment: MRE11A has been only recently described in association with cancer predisposition and the risks are not well understood. This variant is denoted MRE11A c.1163G>A at the cDNA level, p.Arg388Gln (R388Q) at the protein level, and results in the change of an Arginine to a Glutamine (CGG>CAG). This variant has not, to our knowledge, been published in the literature as pathogenic or benign. MRE11A Arg388Gln was not observed in approximately 6,500 individuals of European and African American ancestry in the NHLBI Exome Sequencing Project, indicating it is not a common benign variant in these populations. This variant is a semi-conservative substitution in which a positive polar amino acid is replaced with a neutral polar one, altering a position that is well conserved throughout evolution and is not located in a known functional domain. In silico analyses are inconsistent with regard to the effect this variant may have on protein structure and function. On a molecular level, the impact of this missense variant on protein structure and function is not known and thus we consider this to be a variant of uncertain significance. Furthermore, based on the currently available information, cancer risks associated with this variant, and the MRE11A gene, remain unclear.

Literature cited by the submitters: PubMed 35768438 (cited by Quest Diagnostics Nichols Institute San Juan Capistrano).